The following is an entry in ClinVar:

ClinVar aggregate classification (germline): Uncertain significance. Review status: criteria provided, multiple submitters, no conflicts (2 of 4 stars). 3 submissions from 3 submitters: Uncertain significance (3). Last evaluated 2025-08-17.

Conditions:
Arrhythmogenic cardiomyopathy with wooly hair and keratoderma. Also called: Arrhythmogenic cardiomyopathy with woolly hair and keratoderma; PALMOPLANTAR KERATODERMA WITH LEFT VENTRICULAR CARDIOMYOPATHY AND WOOLLY HAIR; Carvajal syndrome; Dilated cardiomyopathy with woolly hair and keratoderma. Identifiers: Orphanet 65282, MedGen C1854063, MONDO:0011581, OMIM 605676.
Arrhythmogenic right ventricular dysplasia 8 (ARVD8). Also called: Arrhythmogenic Right Ventricular Dysplasia/Cardiomyopathy 8; ARRHYTHMOGENIC RIGHT VENTRICULAR DYSPLASIA, FAMILIAL, 8; ARRHYTHMOGENIC RIGHT VENTRICULAR CARDIOMYOPATHY 8. Identifiers: MedGen C1843896, MONDO:0011831, OMIM 607450.
Cardiomyopathy (CMYO). Also called: Cardiomyopathies. Identifiers: Orphanet 167848, MedGen C0878544, MONDO:0004994, HP:0001638. Inheritance: Various modes of inheritance.

Allele frequency attached by ClinVar (database versions not stated): gnomAD exomes below 0.00001.
gnomAD v4.1: 2 of 1,613,362 alleles (0.00012%); highest among the groups gnomAD compares: Non-Finnish European, 0.00017%; no homozygotes.

Submissions (3):

Color Diagnostics, LLC DBA Color Health
Classification: Uncertain significance for Cardiomyopathy. Last evaluated: 2025-08-17. Review status: criteria provided, single submitter. Criteria: ACMG Guidelines, 2015. Collection method: clinical testing. Allele origin: germline.
Comment: This missense variant replaces isoleucine with threonine at codon 1430 of the DSP protein. Computational prediction suggests that this variant may not impact protein structure and function. To our knowledge, functional studies have not been reported for this variant. This variant has not been reported in individuals affected with DSP-related disorders in the literature. This variant has not been identified in the general population by the Genome Aggregation Database (gnomAD). The available evidence is insufficient to determine the role of this variant in disease conclusively. Therefore, this variant is classified as a Variant of Uncertain Significance.

All of Us Research Program, National Institutes of Health
Classification: Uncertain significance for Arrhythmogenic cardiomyopathy with wooly hair and keratoderma. Last evaluated: 2024-09-23. Review status: criteria provided, single submitter. Criteria: ACMG Guidelines, 2015. Collection method: clinical testing. Allele origin: germline. Inheritance: Autosomal dominant inheritance. Observed: 1 variant allele, 1 heterozygote.
Comment: This study involves interpretation of variants in research participants for the purpose of population health screening. Participant phenotype was not available at the time of variant classification. Additional details can be found in publication PMID: 35346344, PMCID: PMC8962531

Labcorp Genetics (formerly Invitae), Labcorp
Classification: Uncertain significance for Arrhythmogenic cardiomyopathy with wooly hair and keratoderma; Arrhythmogenic right ventricular dysplasia 8. Last evaluated: 2023-12-22. Review status: criteria provided, single submitter. Criteria: Invitae Variant Classification Sherloc (09022015). Collection method: clinical testing. Allele origin: germline.
Comment: This sequence change replaces isoleucine, which is neutral and non-polar, with threonine, which is neutral and polar, at codon 1430 of the DSP protein (p.Ile1430Thr). This variant is not present in population databases (gnomAD no frequency). This variant has not been reported in the literature in individuals affected with DSP-related conditions. An algorithm developed to predict the effect of missense changes on protein structure and function (PolyPhen-2) suggests that this variant is likely to be tolerated. In summary, the available evidence is currently insufficient to determine the role of this variant in disease. Therefore, it has been classified as a Variant of Uncertain Significance.

NM_004415.4(DSP):c.4289T>C (p.Ile1430Thr)

Gene: DSP (desmoplakin; plus strand). Cytogenetic location: 6p24.3.
Variant type: single nucleotide variant.
Coding change: c.4289T>C on transcript NM_004415.4 (MANE Select); coding-DNA position 4289, T replaced by C.
Protein change: p.Ile1430Thr; replaces isoleucine 1430 with threonine.
Molecular consequence: missense variant. On other transcripts: intron variant (2).
Genome position (GRCh38, 1-based): chr6:7,580,479, T>C. VCF-style: chr6-7580479-T-C. GRCh37 (hg19) VCF-style: chr6-7580712-T-C.
Other names: c.4050+239T>C (NM_001319034.2); c.3582+707T>C (NM_001008844.3); short protein forms I1430T.
Identifiers: ClinVar variation 2935517 (VCV002935517.5), dbSNP rs2533928131, ClinGen allele CA362685975.